The following is an entry in ClinVar:

ClinVar aggregate classification (germline): Uncertain significance. Review status: criteria provided, multiple submitters, no conflicts (2 of 4 stars). 2 submissions from 2 submitters: Uncertain significance (2). Last evaluated 2025-11-06.

Conditions:
Inborn genetic diseases. Identifiers: MedGen C0950123, MeSH D030342.

Allele frequency attached by ClinVar (database versions not stated): gnomAD exomes below 0.00001; TOPMed below 0.00001; gnomAD 0.00001.
gnomAD v4.1: 2 of 1,613,412 alleles (0.00012%); highest among the groups gnomAD compares: Non-Finnish European, 0.00017%; no homozygotes.

Submissions (2):

Ambry Genetics
Classification: Uncertain significance for Inborn genetic diseases. Last evaluated: 2025-11-06. Review status: criteria provided, single submitter. Criteria: Ambry Variant Classification Scheme 2023. Collection method: clinical testing. Allele origin: germline.

Labcorp Genetics (formerly Invitae), Labcorp
Classification: Uncertain significance. Last evaluated: 2024-11-04. Review status: criteria provided, single submitter. Criteria: Invitae Variant Classification Sherloc (09022015). Collection method: clinical testing. Allele origin: germline.
Comment: This sequence change replaces serine, which is neutral and polar, with phenylalanine, which is neutral and non-polar, at codon 756 of the ATR protein (p.Ser756Phe). This variant is not present in population databases (gnomAD no frequency). This variant has not been reported in the literature in individuals affected with ATR-related conditions. ClinVar contains an entry for this variant (Variation ID: 1788711). An algorithm developed to predict the effect of missense changes on protein structure and function (PolyPhen-2) suggests that this variant is likely to be disruptive. In summary, the available evidence is currently insufficient to determine the role of this variant in disease. Therefore, it has been classified as a Variant of Uncertain Significance.

NM_001184.4(ATR):c.2267C>T (p.Ser756Phe)

Gene: ATR (ATR checkpoint kinase; minus strand). Cytogenetic location: 3q23.
Variant type: single nucleotide variant.
Coding change: c.2267C>T on transcript NM_001184.4 (MANE Select); coding-DNA position 2267, C replaced by T.
Protein change: p.Ser756Phe; replaces serine 756 with phenylalanine.
Molecular consequence: missense variant.
Genome position (GRCh38, 1-based): chr3:142,555,951, G>A on the plus strand (C>T on the coding strand, the complement: ATR is on the minus strand). VCF-style: chr3-142555951-G-A. GRCh37 (hg19) VCF-style: chr3-142274793-G-A.
Other names: c.2075C>T, p.Ser692Phe (NM_001354579.2); short protein forms S756F, S692F.
Identifiers: ClinVar variation 1788711 (VCV001788711.6), dbSNP rs2034654634, ClinGen allele CA354818605.